The following is an entry in ClinVar:

ClinVar aggregate classification (germline): Conflicting classifications of pathogenicity. Review status: criteria provided, conflicting classifications (1 of 4 stars). 3 submissions from 3 submitters: Uncertain significance (2); Likely benign (1). Last evaluated 2025-03-19.

Conditions:
Tumor predisposition syndrome 3 (TPDS3). Also called: Glioma susceptibility 9; LONG TELOMERE SYNDROME, POT1-RELATED; POT1 Tumor Predisposition; Melanoma, cutaneous malignant, susceptibility to, 10. Identifiers: Orphanet 618, MedGen C4014476, MONDO:0014368, OMIM 615848.
Hereditary cancer-predisposing syndrome. Also called: Neoplastic Syndromes, Hereditary; Tumor predisposition; Hereditary Cancer Syndrome; Hereditary neoplastic syndrome. Identifiers: Orphanet 140162, MedGen C0027672, MeSH D009386, MONDO:0015356.

Allele frequency attached by ClinVar (database versions not stated): TOPMed below 0.00001; ExAC 0.00001; gnomAD exomes 0.00001.

Submissions (3):

Labcorp Genetics (formerly Invitae), Labcorp
Classification: Uncertain significance for Tumor predisposition syndrome 3. Last evaluated: 2025-03-19. Review status: criteria provided, single submitter. Criteria: Invitae Variant Classification Sherloc (09022015). Collection method: clinical testing. Allele origin: germline.
Comment: This sequence change replaces valine, which is neutral and non-polar, with isoleucine, which is neutral and non-polar, at codon 573 of the POT1 protein (p.Val573Ile). This variant is present in population databases (rs780379750, gnomAD 0.007%). This variant has not been reported in the literature in individuals affected with POT1-related conditions. ClinVar contains an entry for this variant (Variation ID: 949687). Invitae Evidence Modeling of protein sequence and biophysical properties (such as structural, functional, and spatial information, amino acid conservation, physicochemical variation, residue mobility, and thermodynamic stability) indicates that this missense variant is not expected to disrupt POT1 protein function with a negative predictive value of 80%. In summary, the available evidence is currently insufficient to determine the role of this variant in disease. Therefore, it has been classified as a Variant of Uncertain Significance.

GeneDx
Classification: Uncertain significance. Last evaluated: 2023-12-20. Review status: criteria provided, single submitter. Criteria: GeneDx Variant Classification Process June 2021. Collection method: clinical testing. Allele origin: germline. Affected: yes.
Comment: Not observed at significant frequency in large population cohorts (gnomAD); In silico analysis supports that this missense variant does not alter protein structure/function; Has not been previously published as pathogenic or benign to our knowledge; This variant is associated with the following publications: (PMID: 28393830)

Ambry Genetics
Classification: Likely benign for Hereditary cancer-predisposing syndrome. Last evaluated: 2021-05-12. Review status: criteria provided, single submitter. Criteria: Ambry Variant Classification Scheme 2023. Collection method: clinical testing. Allele origin: germline.

NM_015450.3(POT1):c.1717G>A (p.Val573Ile)

Gene: POT1 (protection of telomeres 1; minus strand). Cytogenetic location: 7q31.33.
Variant type: single nucleotide variant.
Coding change: c.1717G>A on transcript NM_015450.3 (MANE Select); coding-DNA position 1717, G replaced by A.
Protein change: p.Val573Ile; replaces valine 573 with isoleucine.
Molecular consequence: missense variant. On other transcripts: non-coding transcript variant (3).
Genome position (GRCh38, 1-based): chr7:124,825,327, C>T on the plus strand (G>A on the coding strand, the complement: POT1 is on the minus strand). VCF-style: chr7-124825327-C-T. GRCh37 (hg19) VCF-style: chr7-124465381-C-T.
Other names: c.1324G>A, p.Val442Ile (NM_001042594.2); short protein forms V442I, V573I.
Identifiers: ClinVar variation 949687 (VCV000949687.13), dbSNP rs780379750, ClinGen allele CA4464996.